The following is an entry in ClinVar:

NM_007294.4(BRCA1):c.5194-3C>T

Gene: BRCA1 (BRCA1 DNA repair associated; minus strand). Cytogenetic location: 17q21.31.
Variant type: single nucleotide variant.
Coding change: c.5194-3C>T on transcript NM_007294.4 (MANE Select); 3 bases into the intron before coding-DNA position 5194, C replaced by T.
Molecular consequence: intron variant.
Genome position (GRCh38, 1-based): chr17:43,057,138, G>A on the plus strand (C>T on the coding strand, the complement: BRCA1 is on the minus strand). VCF-style: chr17-43057138-G-A. GRCh37 (hg19) VCF-style: chr17-41209155-G-A.
Other names: c.4930-3C>T (NM_001407925.1, NM_001407921.1, NM_001407926.1 and 4 more transcripts); c.1741-3C>T (NM_001408467.1, NM_001408459.1, NM_001408466.1 and 7 more transcripts); c.5050-3C>T (NM_001407945.1, NM_001407736.1, NM_001407749.1 and 21 more transcripts); c.5053-3C>T (NM_007297.4, NM_001407731.1, NM_001407695.1 and 13 more transcripts); c.1681-3C>T (NM_001408475.1, NM_001408476.1); c.4987-3C>T (NM_001407875.1, NM_001407874.1); c.5110-3C>T (NM_001407659.1, NM_001407662.1, NM_001407660.1 and 2 more transcripts); c.1804-3C>T (NM_001408412.1, NM_001408413.1, NM_001408416.1 and 2 more transcripts); and 72 more.
Identifiers: ClinVar variation 865148 (VCV000865148.4), dbSNP rs2051532279, ClinGen allele CA916081184.
Genomic context (GRCh38, chr17:43,057,138, plus strand): 5'-GCTTTGGACCTTGGTGGTTTCTTCCATTGACCACATCTCCTCTGACTTCAAAATCATGCT[G>A]AAAGAAACCAAACACAACCCATCAGGATAAGAGAAAGAGAAGCTTCCTTCAATGGAAGTG-3'

ClinVar aggregate classification (germline): Uncertain significance (1 of 4 stars; one submission).

Conditions:
Hereditary cancer-predisposing syndrome. Also called: Tumor predisposition; Hereditary Cancer Syndrome; Hereditary neoplastic syndrome; Neoplastic Syndromes, Hereditary. Identifiers: Orphanet 140162, MedGen C0027672, MeSH D009386, MONDO:0015356.

Allele frequency attached by ClinVar (database versions not stated): gnomAD exomes below 0.00001.
gnomAD v4.1: 1 of 1,613,694 alleles (0.000062%); highest among the groups gnomAD compares: Non-Finnish European, 0.000085%; no homozygotes.

Submissions (2):

Ambry Genetics
Classification: Uncertain significance for Hereditary cancer-predisposing syndrome. Last evaluated: 2025-06-06. Review status: criteria provided, single submitter. Criteria: Ambry Variant Classification Scheme 2023. Collection method: clinical testing. Allele origin: germline.
Comment: The c.5194-3C>T intronic variant results from a C to T substitution 3 nucleotides upstream from coding exon 18 in the BRCA1 gene. This nucleotide position is well conserved in available vertebrate species. In silico splice site analysis predicts that this alteration will not have any significant effect on splicing. Based on the available evidence, the clinical significance of this variant remains unclear.

Brotman Baty Institute, University of Washington
No classification provided (evidence only). Condition: Breast-ovarian cancer, familial 1. Review status: no classification provided. Collection method: in vitro. Allele origin: not applicable. Functional consequence: function_uncertain_variant. Not counted in ClinVar's aggregate classification.
ClinVar note: "not provided" was previously submitted as the classification for the variant. However, the classification appeared to be based only on an observation of functional data so it was converted to no classification on 2025-07-30.